The following is an entry in ClinVar:

NM_018191.4(RCBTB1):c.61A>G (p.Ile21Val)

Gene: RCBTB1 (RCC1 and BTB domain containing protein 1; minus strand). Cytogenetic location: 13q14.2.
Variant type: single nucleotide variant.
Coding change: c.61A>G on transcript NM_018191.4 (MANE Select); coding-DNA position 61, A replaced by G.
Protein change: p.Ile21Val; replaces isoleucine 21 with valine.
Molecular consequence: missense variant. On other transcripts: 5 prime UTR variant (1), non-coding transcript variant (2).
Genome position (GRCh38, 1-based): chr13:49,567,219, T>C on the plus strand (A>G on the coding strand, the complement: RCBTB1 is on the minus strand). VCF-style: chr13-49567219-T-C. GRCh37 (hg19) VCF-style: chr13-50141355-T-C.
Other names: c.61A>G, p.Ile21Val (NM_001352500.2, NM_001352501.2, NM_001352502.2 and 3 more transcripts); c.-549A>G (NM_001352506.2); short protein forms I21V.
Identifiers: ClinVar variation 970477 (VCV000970477.8), dbSNP rs1012327417, ClinGen allele CA249378657.
Genomic context (GRCh38, chr13:49,567,219, plus strand): 5'-CATTGTCAGTAACGTACAGTGCTTCACTGGCTGAGGTGCCGAAGACACACGCCTTCCGAA[T>C]AGACGCGATCTCTTGAGGGGAGAGTAGAGTGAAGATGGGCCACTTTCCGACATCCACCAT-3'
Protein context (NP_060661.3, residues 11-31): TLLSPQEIAS[Ile21Val]RKACVFGTSA

ClinVar aggregate classification (germline): Uncertain significance. Review status: criteria provided, multiple submitters, no conflicts (2 of 4 stars). 3 submissions from 3 submitters: Uncertain significance (3). Last evaluated 2022-11-10.

Allele frequency attached by ClinVar (database versions not stated): gnomAD exomes below 0.00001; gnomAD 0.00001; TOPMed 0.00002.
gnomAD v4.1: 36 of 1,613,954 alleles (0.0022%); highest among the groups gnomAD compares: Non-Finnish European, 0.0026%; no homozygotes.

Submissions (3):

Ambry Genetics
Classification: Uncertain significance. Last evaluated: 2022-11-10. Review status: criteria provided, single submitter. Criteria: Ambry Variant Classification Scheme 2023. Collection method: clinical testing. Allele origin: germline.

Labcorp Genetics (formerly Invitae), Labcorp
Classification: Uncertain significance. Last evaluated: 2021-11-11. Review status: criteria provided, single submitter. Criteria: Invitae Variant Classification Sherloc (09022015). Collection method: clinical testing. Allele origin: germline.
Comment: In summary, the available evidence is currently insufficient to determine the role of this variant in disease. Therefore, it has been classified as a Variant of Uncertain Significance. Algorithms developed to predict the effect of missense changes on protein structure and function are either unavailable or do not agree on the potential impact of this missense change (SIFT: "Deleterious"; PolyPhen-2: "Benign"; Align-GVGD: "Class C0"). ClinVar contains an entry for this variant (Variation ID: 970477). This variant has not been reported in the literature in individuals affected with RCBTB1-related conditions. This variant is present in population databases (no rsID available, gnomAD 0.005%). This sequence change replaces isoleucine, which is neutral and non-polar, with valine, which is neutral and non-polar, at codon 21 of the RCBTB1 protein (p.Ile21Val).

Blueprint Genetics
Classification: Uncertain significance. Last evaluated: 2021-07-12. Review status: criteria provided, single submitter. Criteria: ACMG Guidelines, 2015. Collection method: clinical testing. Allele origin: germline.